The following is an entry in ClinVar:

ClinVar aggregate classification (germline): Uncertain significance (1 of 4 stars; one submission).

Allele frequency attached by ClinVar (database versions not stated): TOPMed 0.00001; gnomAD exomes 0.00002.
gnomAD v4.1: 24 of 1,573,046 alleles (0.0015%); highest among the groups gnomAD compares: Non-Finnish European, 0.0021%; no homozygotes.

Submission:

Labcorp Genetics (formerly Invitae), Labcorp
Classification: Uncertain significance. Last evaluated: 2021-05-31. Review status: criteria provided, single submitter. Criteria: Invitae Variant Classification Sherloc (09022015). Collection method: clinical testing. Allele origin: germline.
Comment: In summary, the available evidence is currently insufficient to determine the role of this variant in disease. Therefore, it has been classified as a Variant of Uncertain Significance. Algorithms developed to predict the effect of missense changes on protein structure and function are either unavailable or do not agree on the potential impact of this missense change (SIFT: "Deleterious"; PolyPhen-2: "Benign"; Align-GVGD: "Class C0"). This variant has not been reported in the literature in individuals with IFT81-related conditions. This variant is not present in population databases (ExAC no frequency). This sequence change replaces serine with threonine at codon 495 of the IFT81 protein (p.Ser495Thr). The serine residue is highly conserved and there is a small physicochemical difference between serine and threonine.

NM_014055.4(IFT81):c.1483T>A (p.Ser495Thr)

Gene: IFT81 (intraflagellar transport 81; plus strand). Cytogenetic location: 12q24.11.
Variant type: single nucleotide variant.
Coding change: c.1483T>A on transcript NM_014055.4 (MANE Select); coding-DNA position 1483, T replaced by A.
Protein change: p.Ser495Thr; replaces serine 495 with threonine.
Molecular consequence: missense variant. On other transcripts: non-coding transcript variant (4).
Genome position (GRCh38, 1-based): chr12:110,192,632, T>A. VCF-style: chr12-110192632-T-A. GRCh37 (hg19) VCF-style: chr12-110630437-T-A.
Other names: c.1483T>A, p.Ser495Thr (NM_001143779.2); c.553T>A, p.Ser185Thr (NM_001347947.2, NM_001347948.2); short protein forms S495T, S185T.
Identifiers: ClinVar variation 1372681 (VCV001372681.8), dbSNP rs1180918398, ClinGen allele CA386906150.